The following is an entry in ClinVar:

ClinVar aggregate classification (germline): Uncertain significance. Review status: criteria provided, multiple submitters, no conflicts (2 of 4 stars). 2 submissions from 2 submitters: Uncertain significance (2). Last evaluated 2026-02-17.

Conditions:
CEP290-related disorder. Also called: CEP290-related condition; CEP290-related disorders. Identifiers: MedGen CN239314.
Nephronophthisis. Also called: Juvenile Nephronophthisis. Identifiers: Orphanet 655, MedGen C0687120, MONDO:0019005, HP:0000090.
Meckel-Gruber syndrome. Also called: DYSENCEPHALIA SPLANCHNOCYSTICA; GRUBER SYNDROME; Dysencephalia splachnocystica. Identifiers: Orphanet 564, MedGen C0265215, MONDO:0018921.
Joubert syndrome. Also called: JOUBERT-BOLTSHAUSER SYNDROME; Familial aplasia of the vermis. Identifiers: Orphanet 475, MedGen C5979921, MONDO:0018772.

Allele frequency attached by ClinVar (database versions not stated): gnomAD exomes below 0.00001; TOPMed below 0.00001.
gnomAD v4.1: 1 of 1,613,170 alleles (0.000062%); highest among the groups gnomAD compares: Admixed American, 0.0017%; no homozygotes.

Submissions (2):

PreventionGenetics, part of Exact Sciences
Classification: Uncertain significance for CEP290-related condition. Last evaluated: 2026-02-17. Review status: criteria provided, single submitter. Criteria: ACMG Guidelines, 2015. Collection method: clinical testing. Allele origin: germline.
Comment: The CEP290 c.4507A>C variant is predicted to result in the amino acid substitution p.Asn1503His. To our knowledge, this variant has not been reported in the literature. This variant is reported in 0.0029% of alleles in individuals of Latino descent in gnomAD. At this time, the clinical significance of this variant is uncertain due to the absence of conclusive functional and genetic evidence.

Labcorp Genetics (formerly Invitae), Labcorp
Classification: Uncertain significance for Joubert syndrome; Meckel-Gruber syndrome; Nephronophthisis. Last evaluated: 2022-08-25. Review status: criteria provided, single submitter. Criteria: Invitae Variant Classification Sherloc (09022015). Collection method: clinical testing. Allele origin: germline.
Comment: This sequence change replaces asparagine, which is neutral and polar, with histidine, which is basic and polar, at codon 1503 of the CEP290 protein (p.Asn1503His). This variant is present in population databases (no rsID available, gnomAD 0.003%). This variant has not been reported in the literature in individuals affected with CEP290-related conditions. Algorithms developed to predict the effect of missense changes on protein structure and function are either unavailable or do not agree on the potential impact of this missense change (SIFT: "Deleterious"; PolyPhen-2: "Possibly Damaging"; Align-GVGD: "Class C0"). In summary, the available evidence is currently insufficient to determine the role of this variant in disease. Therefore, it has been classified as a Variant of Uncertain Significance.

NM_025114.4(CEP290):c.4507A>C (p.Asn1503His)

Gene: CEP290 (centrosomal protein 290; minus strand). Cytogenetic location: 12q21.32.
Variant type: single nucleotide variant.
Coding change: c.4507A>C on transcript NM_025114.4 (MANE Select); coding-DNA position 4507, A replaced by C.
Protein change: p.Asn1503His; replaces asparagine 1503 with histidine.
Molecular consequence: missense variant.
Genome position (GRCh38, 1-based): chr12:88,084,783, T>G on the plus strand (A>C on the coding strand, the complement: CEP290 is on the minus strand). VCF-style: chr12-88084783-T-G. GRCh37 (hg19) VCF-style: chr12-88478560-T-G.
Other names: c.4507A>C (NM_025114.3); short protein forms N1503H.
Identifiers: ClinVar variation 2193936 (VCV002193936.3), dbSNP rs1410895455, ClinGen allele CA385995525.